The following is an entry in ClinVar:

NM_020843.4(SCAPER):c.228T>C (p.Ser76=)

Gene: SCAPER (S-phase cyclin A associated protein in the ER; minus strand). Cytogenetic location: 15q24.3.
Variant type: single nucleotide variant.
Coding change: c.228T>C on transcript NM_020843.4 (MANE Select); coding-DNA position 228, T replaced by C.
Protein change: p.Ser76=; no amino-acid change (serine 76 retained).
Molecular consequence: synonymous variant. On other transcripts: 5 prime UTR variant (4), non-coding transcript variant (1).
Genome position (GRCh38, 1-based): chr15:76,841,899, A>G on the plus strand (T>C on the coding strand, the complement: SCAPER is on the minus strand). VCF-style: chr15-76841899-A-G. GRCh37 (hg19) VCF-style: chr15-77134240-A-G.
Other names: c.-670T>C (NM_001145923.2); c.228T>C, p.Ser76= (NM_001353009.2); c.-175T>C (NM_001353010.2, NM_001353011.2, NM_001353012.2).
Identifiers: ClinVar variation 4997725 (VCV004997725.1).

ClinVar aggregate classification (germline): Likely benign (1 of 4 stars; one submission).

Conditions:
SCAPER-related disorder. Also called: SCAPER-related condition.

gnomAD v4.1: 2 of 1,613,916 alleles (0.00012%); highest among the groups gnomAD compares: Middle Eastern, 0.033%; no homozygotes.

Submission:

PreventionGenetics, part of Exact Sciences
Classification: Likely benign for SCAPER-related condition. Last evaluated: 2024-11-09. Review status: criteria provided, single submitter. Criteria: ACMG Guidelines, 2015. Collection method: clinical testing. Allele origin: germline.
Comment: This variant is classified as likely benign based on ACMG/AMP sequence variant interpretation guidelines (Richards et al. 2015 PMID: 25741868, with internal and published modifications).